The following is an entry in ClinVar:

NM_014754.3(PTDSS1):c.413G>A (p.Arg138Gln)

Gene: PTDSS1 (phosphatidylserine synthase 1; plus strand). Cytogenetic location: 8q22.1.
Variant type: single nucleotide variant.
Coding change: c.413G>A on transcript NM_014754.3 (MANE Select); coding-DNA position 413, G replaced by A.
Protein change: p.Arg138Gln; replaces arginine 138 with glutamine.
Molecular consequence: missense variant. On other transcripts: intron variant (1).
Genome position (GRCh38, 1-based): chr8:96,287,118, G>A. VCF-style: chr8-96287118-G-A. GRCh37 (hg19) VCF-style: chr8-97299346-G-A.
Other names: c.4-7980G>A (NM_001290225.2); short protein forms R138Q.
Identifiers: ClinVar variation 2962111 (VCV002962111.3), dbSNP rs747493340, ClinGen allele CA371754493.

ClinVar aggregate classification (germline): Uncertain significance (1 of 4 stars; one submission).

gnomAD v4.1: 10 of 1,614,112 alleles (0.00062%); highest among the groups gnomAD compares: South Asian, 0.0022%; no homozygotes.

Submission:

Labcorp Genetics (formerly Invitae), Labcorp
Classification: Uncertain significance. Last evaluated: 2023-05-07. Review status: criteria provided, single submitter. Criteria: Invitae Variant Classification Sherloc (09022015). Collection method: clinical testing. Allele origin: germline.
Comment: In summary, the available evidence is currently insufficient to determine the role of this variant in disease. Therefore, it has been classified as a Variant of Uncertain Significance. Advanced modeling of protein sequence and biophysical properties (such as structural, functional, and spatial information, amino acid conservation, physicochemical variation, residue mobility, and thermodynamic stability) performed at Invitae indicates that this missense variant is not expected to disrupt PTDSS1 protein function. This variant has not been reported in the literature in individuals affected with PTDSS1-related conditions. This variant is present in population databases (no rsID available, gnomAD 0.003%). This sequence change replaces arginine, which is basic and polar, with glutamine, which is neutral and polar, at codon 138 of the PTDSS1 protein (p.Arg138Gln).